The following is an entry in ClinVar:

ClinVar aggregate classification (germline): Uncertain significance (1 of 4 stars; one submission).

Allele frequency attached by ClinVar (database versions not stated): gnomAD exomes below 0.00001; ExAC 0.00001; TOPMed 0.00001; ESP Exome Variant Server 0.00008.
gnomAD v4.1: 1 of 1,614,214 alleles (0.000062%); highest among the groups gnomAD compares: African/African-American, 0.0013%; no homozygotes.

Submission:

Labcorp Genetics (formerly Invitae), Labcorp
Classification: Uncertain significance. Last evaluated: 2023-06-02. Review status: criteria provided, single submitter. Criteria: Invitae Variant Classification Sherloc (09022015). Collection method: clinical testing. Allele origin: germline.
Comment: This variant is present in population databases (rs374891715, gnomAD 0.007%). This variant has not been reported in the literature in individuals affected with LRP5-related conditions. Advanced modeling of protein sequence and biophysical properties (such as structural, functional, and spatial information, amino acid conservation, physicochemical variation, residue mobility, and thermodynamic stability) has been performed at Invitae for this missense variant, however the output from this modeling did not meet the statistical confidence thresholds required to predict the impact of this variant on LRP5 protein function. In summary, the available evidence is currently insufficient to determine the role of this variant in disease. Therefore, it has been classified as a Variant of Uncertain Significance. This sequence change replaces serine, which is neutral and polar, with arginine, which is basic and polar, at codon 966 of the LRP5 protein (p.Ser966Arg).

NM_002335.4(LRP5):c.2896A>C (p.Ser966Arg)

Gene: LRP5 (LDL receptor related protein 5; plus strand). Cytogenetic location: 11q13.2.
Variant type: single nucleotide variant.
Coding change: c.2896A>C on transcript NM_002335.4 (MANE Select); coding-DNA position 2896, A replaced by C.
Protein change: p.Ser966Arg; replaces serine 966 with arginine.
Molecular consequence: missense variant.
Genome position (GRCh38, 1-based): chr11:68,416,396, A>C. VCF-style: chr11-68416396-A-C. GRCh37 (hg19) VCF-style: chr11-68183864-A-C.
Other names: c.1153A>C, p.Ser385Arg (NM_001291902.2); short protein forms S385R, S966R.
Identifiers: ClinVar variation 2828867 (VCV002828867.3), dbSNP rs374891715, ClinGen allele CA6149787.